The following is an entry in ClinVar:

ClinVar aggregate classification (germline): Uncertain significance (1 of 4 stars; one submission).

Submission:

Labcorp Genetics (formerly Invitae), Labcorp
Classification: Uncertain significance. Last evaluated: 2025-04-27. Review status: criteria provided, single submitter. Criteria: Invitae Variant Classification Sherloc (09022015). Collection method: clinical testing. Allele origin: germline.
Comment: This sequence change replaces proline, which is neutral and non-polar, with arginine, which is basic and polar, at codon 659 of the POLE protein (p.Pro659Arg). This variant is not present in population databases (gnomAD no frequency). This variant has not been reported in the literature in individuals affected with POLE-related conditions. Invitae Evidence Modeling of protein sequence and biophysical properties (such as structural, functional, and spatial information, amino acid conservation, physicochemical variation, residue mobility, and thermodynamic stability) indicates that this missense variant is expected to disrupt POLE protein function with a positive predictive value of 80%. In summary, the available evidence is currently insufficient to determine the role of this variant in disease. Therefore, it has been classified as a Variant of Uncertain Significance.

NM_006231.4(POLE):c.1976C>G (p.Pro659Arg)

Gene: POLE (DNA polymerase epsilon, catalytic subunit; minus strand). Cytogenetic location: 12q24.33.
Variant type: single nucleotide variant.
Coding change: c.1976C>G on transcript NM_006231.4 (MANE Select); coding-DNA position 1976, C replaced by G.
Protein change: p.Pro659Arg; replaces proline 659 with arginine.
Molecular consequence: missense variant.
Genome position (GRCh38, 1-based): chr12:132,668,685, G>C on the plus strand (C>G on the coding strand, the complement: POLE is on the minus strand). VCF-style: chr12-132668685-G-C. GRCh37 (hg19) VCF-style: chr12-133245271-G-C.
Other names: short protein forms P659R.
Identifiers: ClinVar variation 4769306 (VCV004769306.1).